The following is an entry in ClinVar:

NC_000019.10:g.(?_38585928)_(38586012_?)dup

Gene: RYR1 (ryanodine receptor 1; plus strand). Cytogenetic location: 19q13.2.
Variant type: Duplication.
Identifiers: ClinVar variation 831179 (VCV000831179.6).

ClinVar aggregate classification (germline): Likely pathogenic (1 of 4 stars; one submission).

Conditions:
RYR1-related disorder. Also called: RYR1-related disorders; RYR1-related condition. Identifiers: MedGen CN239331.

Submission:

Labcorp Genetics (formerly Invitae), Labcorp
Classification: Likely pathogenic for RYR1-related disorder. Last evaluated: 2022-03-18. Review status: criteria provided, single submitter. Criteria: Invitae Variant Classification Sherloc (09022015). Collection method: clinical testing. Allele origin: germline.
Comment: In summary, the currently available evidence indicates that the variant is pathogenic, but additional data are needed to prove that conclusively. Therefore, this variant has been classified as Likely Pathogenic. This variant has not been reported in the literature in individuals affected with RYR1-related conditions. This variant results in a copy number gain of the genomic region encompassing exon(s) 103 of the RYR1 gene. While the exact position of this variant cannot be determined from the data, sub-genic copy number gains are generally in tandem (PMID: 25640679). This variant is predicted to be out-of-frame, and may result in an absent or disrupted protein product. Loss-of-function variants in RYR1 are known to be pathogenic (PMID: 20583297, 20839240, 23919265, 28818389).

Literature cited by the submitters: PubMed 25640679; PubMed 20583297; PubMed 20839240; PubMed 23919265; PubMed 28818389.